The following is an entry in ClinVar:

ClinVar aggregate classification (germline): Likely benign. Review status: criteria provided, multiple submitters, no conflicts (2 of 4 stars). 3 submissions from 3 submitters: Likely benign (2). 1 of the submissions does not count toward it. Last evaluated 2024-10-09.

Conditions:
TUBB4B-related disorder. Also called: TUBB4B-related condition.

Allele frequency attached by ClinVar (database versions not stated): gnomAD exomes 0.00001; ExAC 0.00003; TOPMed 0.00004; gnomAD 0.00005; 1000 Genomes Project 30x 0.00031; 1000 Genomes Project 0.00040.
gnomAD v4.1: 30 of 1,612,310 alleles (0.0019%); highest among the groups gnomAD compares: East Asian, 0.033%; no homozygotes.

Submissions (3):

Labcorp Genetics (formerly Invitae), Labcorp
Classification: Likely benign. Last evaluated: 2024-10-09. Review status: criteria provided, single submitter. Criteria: Invitae Variant Classification Sherloc (09022015). Collection method: clinical testing. Allele origin: germline.

Blueprint Genetics
Classification: Likely benign. Last evaluated: 2024-06-28. Review status: criteria provided, single submitter. Criteria: ACMG Guidelines, 2015. Collection method: clinical testing. Allele origin: germline.

PreventionGenetics, part of Exact Sciences
Classification: Likely benign for TUBB4B-related condition. Last evaluated: 2020-02-19. Review status: no assertion criteria provided. Collection method: clinical testing. Allele origin: germline. Not counted in ClinVar's aggregate classification.
Comment: This variant is classified as likely benign based on ACMG/AMP sequence variant interpretation guidelines (Richards et al. 2015 PMID: 25741868, with internal and published modifications).

NM_006088.6(TUBB4B):c.120C>T (p.Ser40=)

Gene: TUBB4B (tubulin beta 4B class IVb; plus strand). Cytogenetic location: 9q34.3.
Variant type: single nucleotide variant.
Coding change: c.120C>T on transcript NM_006088.6 (MANE Select); coding-DNA position 120, C replaced by T.
Protein change: p.Ser40=; no amino-acid change (serine 40 retained).
Molecular consequence: synonymous variant.
Genome position (GRCh38, 1-based): chr9:137,241,783, C>T. VCF-style: chr9-137241783-C-T. GRCh37 (hg19) VCF-style: chr9-140136235-C-T.
Other names: c.120C>T (NM_006088.5).
Identifiers: ClinVar variation 2766086 (VCV002766086.6), dbSNP rs201683111, ClinGen allele CA5365190.